The following is an entry in ClinVar:

ClinVar aggregate classification (germline): Uncertain significance (1 of 4 stars; one submission).

Submission:

Labcorp Genetics (formerly Invitae), Labcorp
Classification: Uncertain significance. Last evaluated: 2023-08-17. Review status: criteria provided, single submitter. Criteria: Invitae Variant Classification Sherloc (09022015). Collection method: clinical testing. Allele origin: germline.
Comment: In summary, the available evidence is currently insufficient to determine the role of this variant in disease. Therefore, it has been classified as a Variant of Uncertain Significance. Algorithms developed to predict the effect of missense changes on protein structure and function output the following: SIFT: "Not Available"; PolyPhen-2: "Benign"; Align-GVGD: "Not Available". The asparagine amino acid residue is found in multiple mammalian species, which suggests that this missense change does not adversely affect protein function. This variant has not been reported in the literature in individuals affected with RP2-related conditions. This variant is not present in population databases (gnomAD no frequency). This sequence change replaces serine, which is neutral and polar, with asparagine, which is neutral and polar, at codon 231 of the RP2 protein (p.Ser231Asn).

NM_006915.3(RP2):c.692G>A (p.Ser231Asn)

Gene: RP2 (RP2 activator of ARL3 GTPase; plus strand). Cytogenetic location: Xp11.3.
Variant type: single nucleotide variant.
Coding change: c.692G>A on transcript NM_006915.3 (MANE Select); coding-DNA position 692, G replaced by A.
Protein change: p.Ser231Asn; replaces serine 231 with asparagine.
Molecular consequence: missense variant.
Genome position (GRCh38, 1-based): chrX:46,854,065, G>A. VCF-style: chrX-46854065-G-A. GRCh37 (hg19) VCF-style: chrX-46713500-G-A.
Other names: short protein forms S231N.
Identifiers: ClinVar variation 2753319 (VCV002753319.3), dbSNP rs2519914837, ClinGen allele CA413040499.